The following is an entry in ClinVar:

NM_022114.4(PRDM16):c.2021T>A (p.Phe674Tyr)

Gene: PRDM16 (PR/SET domain 16; plus strand). Cytogenetic location: 1p36.32.
Variant type: single nucleotide variant.
Coding change: c.2021T>A on transcript NM_022114.4 (MANE Select); coding-DNA position 2021, T replaced by A.
Protein change: p.Phe674Tyr; replaces phenylalanine 674 with tyrosine.
Molecular consequence: missense variant.
Genome position (GRCh38, 1-based): chr1:3,412,218, T>A. VCF-style: chr1-3412218-T-A. GRCh37 (hg19) VCF-style: chr1-3328782-T-A.
Other names: c.2021T>A, p.Phe674Tyr (NM_199454.3); short protein forms F674Y.
Identifiers: ClinVar variation 1901772 (VCV001901772.5), dbSNP rs1643702951, ClinGen allele CA337999515.
Genomic context (GRCh38, chr1:3,412,218, plus strand): 5'-CGCCCCCGGGGGCCCCGAACAGCGTGGCCGAGGTGCCTGTCTTCTATTCCCAGCACTCAT[T>A]CTTCCCGCCACCCGACGAGCAGCTGCTGACTGCAACGGGCGCCGCCGGGGACTCCATCAA-3'
Protein context (NP_071397.3, residues 664-684): EVPVFYSQHS[Phe674Tyr]FPPPDEQLLT

ClinVar aggregate classification (germline): Uncertain significance (1 of 4 stars; one submission).

Conditions:
Left ventricular noncompaction 8 (LVNC8). Identifiers: Orphanet 154, Orphanet 54260, MedGen C3809288, MONDO:0014152, OMIM 615373.

Allele frequency attached by ClinVar (database versions not stated): TOPMed below 0.00001; gnomAD 0.00001.
gnomAD v4.1: 1 of 1,607,080 alleles (0.000062%); highest among the groups gnomAD compares: Non-Finnish European, 0.000085%; no homozygotes.

Submission:

Labcorp Genetics (formerly Invitae), Labcorp
Classification: Uncertain significance for Left ventricular noncompaction 8. Last evaluated: 2023-12-11. Review status: criteria provided, single submitter. Criteria: Invitae Variant Classification Sherloc (09022015). Collection method: clinical testing. Allele origin: germline.
Comment: This sequence change replaces phenylalanine, which is neutral and non-polar, with tyrosine, which is neutral and polar, at codon 674 of the PRDM16 protein (p.Phe674Tyr). This variant is not present in population databases (gnomAD no frequency). This variant has not been reported in the literature in individuals affected with PRDM16-related conditions. ClinVar contains an entry for this variant (Variation ID: 1901772). An algorithm developed to predict the effect of missense changes on protein structure and function (PolyPhen-2) suggests that this variant is likely to be disruptive. In summary, the available evidence is currently insufficient to determine the role of this variant in disease. Therefore, it has been classified as a Variant of Uncertain Significance.